The following is an entry in ClinVar:

NM_001378457.1(DMXL2):c.2591A>C (p.His864Pro)

Gene: DMXL2 (Dmx like 2; minus strand). Cytogenetic location: 15q21.2.
Variant type: single nucleotide variant.
Coding change: c.2591A>C on transcript NM_001378457.1 (MANE Select); coding-DNA position 2591, A replaced by C.
Protein change: p.His864Pro; replaces histidine 864 with proline.
Molecular consequence: missense variant. On other transcripts: non-coding transcript variant (2).
Genome position (GRCh38, 1-based): chr15:51,514,495, T>G on the plus strand (A>C on the coding strand, the complement: DMXL2 is on the minus strand). VCF-style: chr15-51514495-T-G. GRCh37 (hg19) VCF-style: chr15-51806692-T-G.
Other names: c.2591A>C, p.His864Pro (NM_001174116.3, NM_001174117.3, NM_001378458.1 and 6 more transcripts); c.2351A>C, p.His784Pro (NM_001378464.1); c.2591A>C (NM_001174116.1); short protein forms H784P, H864P.
Identifiers: ClinVar variation 1460714 (VCV001460714.5), dbSNP rs2046923279, ClinGen allele CA392440277.

ClinVar aggregate classification (germline): Uncertain significance. Review status: criteria provided, multiple submitters, no conflicts (2 of 4 stars). 2 submissions from 2 submitters: Uncertain significance (2). Last evaluated 2025-01-20.

Conditions:
Inborn genetic diseases. Identifiers: MedGen C0950123, MeSH D030342.

Allele frequency attached by ClinVar (database versions not stated): gnomAD exomes below 0.00001.
gnomAD v4.1: 2 of 1,600,514 alleles (0.00012%); highest among the groups gnomAD compares: Admixed American, 0.0017%; no homozygotes.

Submissions (2):

Ambry Genetics
Classification: Uncertain significance for Inborn genetic diseases. Last evaluated: 2025-01-20. Review status: criteria provided, single submitter. Criteria: Ambry Variant Classification Scheme 2023. Collection method: clinical testing. Allele origin: germline.

Labcorp Genetics (formerly Invitae), Labcorp
Classification: Uncertain significance. Last evaluated: 2023-12-18. Review status: criteria provided, single submitter. Criteria: Invitae Variant Classification Sherloc (09022015). Collection method: clinical testing. Allele origin: germline.
Comment: This sequence change replaces histidine, which is basic and polar, with proline, which is neutral and non-polar, at codon 864 of the DMXL2 protein (p.His864Pro). This variant is not present in population databases (gnomAD no frequency). This variant has not been reported in the literature in individuals affected with DMXL2-related conditions. ClinVar contains an entry for this variant (Variation ID: 1460714). An algorithm developed to predict the effect of missense changes on protein structure and function (PolyPhen-2) suggests that this variant is likely to be disruptive. In summary, the available evidence is currently insufficient to determine the role of this variant in disease. Therefore, it has been classified as a Variant of Uncertain Significance.